The following is an entry in ClinVar:

NM_021922.3(FANCE):c.681del (p.Asp228fs)

Gene: FANCE (FA complementation group E; plus strand). Cytogenetic location: 6p21.31.
Variant type: Deletion.
Coding change: c.681del on transcript NM_021922.3 (MANE Select); coding-DNA position 681, one base deleted (A; older notation c.681delA).
Protein change: p.Asp228fs; shifts the reading frame from aspartic acid 228.
Molecular consequence: frameshift variant.
Genome position (GRCh38, 1-based): chr6:35,456,179, A deleted; the last of 2 consecutive A bases (chr6:35,456,178-35,456,179); deleting either gives the same sequence. VCF-style (leftmost placement, unchanged base first): chr6-35456177-GA-G. GRCh37 (hg19) VCF-style: chr6-35423954-GA-G.
Other names: c.681del, p.Asp228fs (NM_001410876.1); short protein forms D228fs.
Identifiers: ClinVar variation 4721641 (VCV004721641.1).

ClinVar aggregate classification (germline): Pathogenic (1 of 4 stars; one submission).

Conditions:
Fanconi anemia complementation group E (FANCE). Also called: FANCE-Related Fanconi Anemia. Identifiers: Orphanet 84, MedGen C3160739, MONDO:0010953, OMIM 600901.

Submission:

Labcorp Genetics (formerly Invitae), Labcorp
Classification: Pathogenic for Fanconi anemia complementation group E. Last evaluated: 2025-07-27. Review status: criteria provided, single submitter. Criteria: Invitae Variant Classification Sherloc (09022015). Collection method: clinical testing. Allele origin: germline.
Comment: This sequence change creates a premature translational stop signal (p.Asp228Ilefs*68) in the FANCE gene. It is expected to result in an absent or disrupted protein product. Loss-of-function variants in FANCE are known to be pathogenic (PMID: 11001585, 17924555). This variant is not present in population databases (gnomAD no frequency). This variant has not been reported in the literature in individuals affected with FANCE-related conditions. For these reasons, this variant has been classified as Pathogenic.

Literature cited by the submitters: PubMed 11001585; PubMed 17924555.